The following is an entry in ClinVar:

ClinVar aggregate classification (germline): Pathogenic. Review status: criteria provided, multiple submitters, no conflicts (2 of 4 stars). 2 submissions from 2 submitters: Pathogenic (2). Last evaluated 2024-09-16.

Conditions:
Hereditary cancer-predisposing syndrome. Also called: Neoplastic Syndromes, Hereditary; Tumor predisposition; Hereditary Cancer Syndrome; Hereditary neoplastic syndrome. Identifiers: Orphanet 140162, MedGen C0027672, MeSH D009386, MONDO:0015356.

Submissions (2):

Ambry Genetics
Classification: Pathogenic for Hereditary cancer-predisposing syndrome. Last evaluated: 2024-09-16. Review status: criteria provided, single submitter. Criteria: Ambry Variant Classification Scheme 2023. Collection method: clinical testing. Allele origin: germline.
Comment: The p.Y655* pathogenic mutation (also known as c.1965C>G), located in coding exon 9 of the BRCA1 gene, results from a C to G substitution at nucleotide position 1965. This changes the amino acid from a tyrosine to a stop codon within coding exon 9. This variant is considered to be rare based on population cohorts in the Genome Aggregation Database (gnomAD). This alteration is expected to result in loss of function by premature protein truncation or nonsense-mediated mRNA decay. As such, this alteration is interpreted as a disease-causing mutation.

Color Diagnostics, LLC DBA Color Health
Classification: Pathogenic for Hereditary cancer-predisposing syndrome. Last evaluated: 2022-02-07. Review status: criteria provided, single submitter. Criteria: ACMG Guidelines, 2015. Collection method: clinical testing. Allele origin: germline.
Comment: This variant changes 1 nucleotide in exon 10 of the BRCA1 gene, creating a premature translation stop signal. This variant is expected to result in an absent or non-functional protein product. To our knowledge, this variant has not been reported in individuals affected with hereditary cancer in the literature. This variant has not been identified in the general population by the Genome Aggregation Database (gnomAD). Loss of BRCA1 function is a known mechanism of disease. Based on the available evidence, this variant is classified as Pathogenic.

NM_007294.4(BRCA1):c.1965C>G (p.Tyr655Ter)

Gene: BRCA1 (BRCA1 DNA repair associated; minus strand). Cytogenetic location: 17q21.31.
Variant type: single nucleotide variant.
Coding change: c.1965C>G on transcript NM_007294.4 (MANE Select); coding-DNA position 1965, C replaced by G.
Protein change: p.Tyr655Ter; replaces tyrosine 655 with a stop codon.
Molecular consequence: nonsense. On other transcripts: intron variant (137).
Genome position (GRCh38, 1-based): chr17:43,093,566, G>C on the plus strand (C>G on the coding strand, the complement: BRCA1 is on the minus strand). VCF-style: chr17-43093566-G-C. GRCh37 (hg19) VCF-style: chr17-41245583-G-C.
Other names: c.1632C>G, p.Tyr544Ter (NM_001407949.1, NM_001407953.1, NM_001407957.1 and 6 more transcripts); c.1629C>G, p.Tyr543Ter (NM_001407954.1, NM_001407955.1, NM_001407956.1 and 1 more transcripts); c.1965C>G, p.Tyr655Ter (NM_001407602.1, NM_001407597.1, NM_001407598.1 and 30 more transcripts); c.1584C>G, p.Tyr528Ter (NM_001407959.1, NM_001407960.1, NM_001407963.1); c.1962C>G, p.Tyr654Ter (NM_001407610.1, NM_001407611.1, NM_001407612.1 and 22 more transcripts); c.1956C>G, p.Tyr652Ter (NM_001407646.1, NM_001407647.1); c.1842C>G, p.Tyr614Ter (NM_001407648.1, NM_001407664.1, NM_001407665.1 and 19 more transcripts); c.1839C>G, p.Tyr613Ter (NM_001407649.1, NM_001407670.1, NM_001407671.1 and 11 more transcripts); and 40 more; short protein forms Y655*, Y608*, Y528*, Y587*, Y588*, Y614*, Y652*, Y359*.
Identifiers: ClinVar variation 820435 (VCV000820435.8), dbSNP rs886039987, ClinGen allele CA10598087.